The following is an entry in ClinVar:

ClinVar aggregate classification (germline): Uncertain significance. Review status: criteria provided, multiple submitters, no conflicts (2 of 4 stars). 4 submissions from 4 submitters: Uncertain significance (3). 1 of the submissions does not count toward it. Last evaluated 2025-07-07.

Conditions:
NOTCH2-related disorder. Also called: NOTCH2-related condition.
Hajdu-Cheney syndrome (HJCYS). Also called: ACROOSTEOLYSIS WITH OSTEOPOROSIS AND CHANGES IN SKULL AND MANDIBLE; Acroosteolysis dominant type; SERPENTINE FIBULA-POLYCYSTIC KIDNEY SYNDROME. Identifiers: Orphanet 955, MedGen C0917715, MONDO:0007057, OMIM 102500.
Alagille syndrome due to a NOTCH2 point mutation. Also called: Alagille syndrome 2. Identifiers: Orphanet 261629, Orphanet 52, MedGen C1857761, MONDO:0012439, OMIM 610205.

Submissions (4):

Labcorp Genetics (formerly Invitae), Labcorp
Classification: Uncertain significance for Hajdu-Cheney syndrome. Last evaluated: 2025-07-07. Review status: criteria provided, single submitter. Criteria: Invitae Variant Classification Sherloc (09022015). Collection method: clinical testing. Allele origin: germline.
Comment: This sequence change replaces glutamic acid, which is acidic and polar, with lysine, which is basic and polar, at codon 1224 of the NOTCH2 protein (p.Glu1224Lys). This variant is not present in population databases (gnomAD no frequency). This variant has not been reported in the literature in individuals affected with NOTCH2-related conditions. ClinVar contains an entry for this variant (Variation ID: 289229). Invitae Evidence Modeling of protein sequence and biophysical properties (such as structural, functional, and spatial information, amino acid conservation, physicochemical variation, residue mobility, and thermodynamic stability) indicates that this missense variant is not expected to disrupt NOTCH2 protein function with a negative predictive value of 80%. In summary, the available evidence is currently insufficient to determine the role of this variant in disease. Therefore, it has been classified as a Variant of Uncertain Significance.

Fulgent Genetics
Classification: Uncertain significance for Hajdu-Cheney syndrome; Alagille syndrome due to a NOTCH2 point mutation. Last evaluated: 2022-03-03. Review status: criteria provided, single submitter. Criteria: ACMG Guidelines, 2015. Collection method: clinical testing. Allele origin: unknown.

Eurofins Ntd Llc (ga)
Classification: Uncertain significance. Last evaluated: 2016-07-08. Review status: criteria provided, single submitter. Criteria: EGL Classification Definitions 2015. Collection method: clinical testing. Allele origin: germline. Observed: 1 variant allele, 1 heterozygote.

PreventionGenetics, part of Exact Sciences
Classification: Uncertain significance for NOTCH2-related condition. Last evaluated: 2024-05-09. Review status: no assertion criteria provided. Collection method: clinical testing. Allele origin: germline. Not counted in ClinVar's aggregate classification.
Comment: The NOTCH2 c.3670G>A variant is predicted to result in the amino acid substitution p.Glu1224Lys. To our knowledge, this variant has not been reported in the literature or in a large population database, indicating this variant is rare. At this time, the clinical significance of this variant is uncertain due to the absence of conclusive functional and genetic evidence.

NM_024408.4(NOTCH2):c.3670G>A (p.Glu1224Lys)

Gene: NOTCH2 (notch receptor 2; minus strand). Cytogenetic location: 1p12.
Variant type: single nucleotide variant.
Coding change: c.3670G>A on transcript NM_024408.4 (MANE Select); coding-DNA position 3670, G replaced by A.
Protein change: p.Glu1224Lys; replaces glutamic acid 1224 with lysine.
Molecular consequence: missense variant.
Genome position (GRCh38, 1-based): chr1:119,929,198, C>T on the plus strand (G>A on the coding strand, the complement: NOTCH2 is on the minus strand). VCF-style: chr1-119929198-C-T. GRCh37 (hg19) VCF-style: chr1-120471821-C-T.
Other names: c.3670G>A (NM_024408.3); short protein forms E1224K.
Identifiers: ClinVar variation 289229 (VCV000289229.10), dbSNP rs886044885, ClinGen allele CA10606377.